The following is an entry in ClinVar:

ClinVar aggregate classification (germline): Uncertain significance (1 of 4 stars; one submission).

Conditions:
Familial sleep-related hypermotor epilepsy. Also called: Autosomal Dominant Sleep-Related Hypermotor (Hyperkinetic) Epilepsy. Identifiers: Orphanet 98784, MedGen C3696898, MONDO:0000030.

Submission:

Labcorp Genetics (formerly Invitae), Labcorp
Classification: Uncertain significance. Last evaluated: 2021-10-25. Review status: criteria provided, single submitter. Criteria: Invitae Variant Classification Sherloc (09022015). Collection method: clinical testing. Allele origin: germline.
Comment: In summary, the available evidence is currently insufficient to determine the role of this variant in disease. Therefore, it has been classified as a Variant of Uncertain Significance. Advanced modeling of protein sequence and biophysical properties (such as structural, functional, and spatial information, amino acid conservation, physicochemical variation, residue mobility, and thermodynamic stability) performed at Invitae indicates that this missense variant is not expected to disrupt CHRNB2 protein function. This variant has not been reported in the literature in individuals affected with CHRNB2-related conditions. The frequency data for this variant in the population databases is considered unreliable, as metrics indicate insufficient coverage at this position in the ExAC database. This sequence change replaces phenylalanine with serine at codon 390 of the CHRNB2 protein (p.Phe390Ser). The phenylalanine residue is weakly conserved and there is a large physicochemical difference between phenylalanine and serine.

NM_000748.3(CHRNB2):c.1169T>C (p.Phe390Ser)

Gene: CHRNB2 (cholinergic receptor nicotinic beta 2 subunit; plus strand). Cytogenetic location: 1q21.3.
Variant type: single nucleotide variant.
Coding change: c.1169T>C on transcript NM_000748.3 (MANE Select); coding-DNA position 1169, T replaced by C.
Protein change: p.Phe390Ser; replaces phenylalanine 390 with serine.
Molecular consequence: missense variant.
Genome position (GRCh38, 1-based): chr1:154,571,992, T>C. VCF-style: chr1-154571992-T-C. GRCh37 (hg19) VCF-style: chr1-154544468-T-C.
Other names: short protein forms F390S.
Identifiers: ClinVar variation 1389318 (VCV001389318.6), dbSNP rs2101522326, ClinGen allele CA342631624.